The following is an entry in ClinVar:

NM_001393392.1(AKR1C2):c.783G>A (p.Leu261=)

Gene: AKR1C2 (aldo-keto reductase family 1 member C2; minus strand). Cytogenetic location: 10p15.1.
Variant type: single nucleotide variant.
Coding change: c.783G>A on transcript NM_001393392.1 (MANE Select); coding-DNA position 783, G replaced by A.
Protein change: p.Leu261=; no amino-acid change (leucine 261 retained).
Molecular consequence: synonymous variant.
Genome position (GRCh38, 1-based): chr10:4,995,382, C>T on the plus strand (G>A on the coding strand, the complement: AKR1C2 is on the minus strand). VCF-style: chr10-4995382-C-T. GRCh37 (hg19) VCF-style: chr10-5037574-C-T.
Other names: c.705G>A, p.Leu235= (NM_001321027.2); c.783G>A, p.Leu261= (NM_001354.6, NM_205845.3).
Identifiers: ClinVar variation 3056884 (VCV003056884.2), dbSNP rs781828411, ClinGen allele CA5389941.

ClinVar aggregate classification (germline): Likely benign (0 of 4 stars; one submission).

Conditions:
AKR1C2-related disorder. Also called: AKR1C2-related condition.

Allele frequency attached by ClinVar (database versions not stated): ExAC 0.00755.

Submission:

PreventionGenetics, part of Exact Sciences
Classification: Likely benign for AKR1C2-related condition. Last evaluated: 2019-04-03. Review status: no assertion criteria provided. Collection method: clinical testing. Allele origin: germline.
Comment: This variant is classified as likely benign based on ACMG/AMP sequence variant interpretation guidelines (Richards et al. 2015 PMID: 25741868, with internal and published modifications).